The following is an entry in ClinVar:

ClinVar aggregate classification (germline): Uncertain significance. Review status: criteria provided, multiple submitters, no conflicts (2 of 4 stars). 3 submissions from 3 submitters: Uncertain significance (3). Last evaluated 2025-06-25.

Conditions:
Pyruvate dehydrogenase E2 deficiency (PDHDD). Also called: Dihydrolipoamide Acetyltransferase (E2) Deficiency; LACTIC ACIDEMIA DUE TO DEFECT OF E2 LIPOYL TRANSACETYLASE OF THE PYRUVATE DEHYDROGENASE COMPLEX. Identifiers: Orphanet 765, Orphanet 79244, MedGen C1855565, MONDO:0009502, OMIM 245348.
Inborn genetic diseases. Identifiers: MedGen C0950123, MeSH D030342.

Submissions (3):

GeneDx
Classification: Uncertain significance. Last evaluated: 2025-06-25. Review status: criteria provided, single submitter. Criteria: GeneDx Variant Classification Process June 2021. Collection method: clinical testing. Allele origin: germline. Affected: yes.
Comment: Not observed at significant frequency in large population cohorts (gnomAD); In-frame deletion of 4 amino acid(s) in a non-repeat region; In silico analysis supports a deleterious effect on protein structure/function; Has not been previously published as pathogenic or benign to our knowledge

Ambry Genetics
Classification: Uncertain significance for Inborn genetic diseases. Last evaluated: 2022-08-11. Review status: criteria provided, single submitter. Criteria: Ambry Variant Classification Scheme 2023. Collection method: clinical testing. Allele origin: germline.
Comment: The c.960_971del12 (p.T322_P325del) alteration is located in exon 6 (coding exon 6) of the DLAT gene. This alteration consists of an in-frame deletion of 12 nucleotides between nucleotide positions c.960 and c.971, resulting in the deletion of 4 residues. Based on insufficient or conflicting evidence, the clinical significance of this alteration remains unclear.

Labcorp Genetics (formerly Invitae), Labcorp
Classification: Uncertain significance for Pyruvate dehydrogenase E2 deficiency. Last evaluated: 2022-06-16. Review status: criteria provided, single submitter. Criteria: Invitae Variant Classification Sherloc (09022015). Collection method: clinical testing. Allele origin: germline.
Comment: In summary, the available evidence is currently insufficient to determine the role of this variant in disease. Therefore, it has been classified as a Variant of Uncertain Significance. Experimental studies and prediction algorithms are not available or were not evaluated, and the functional significance of this variant is currently unknown. This variant has not been reported in the literature in individuals affected with DLAT-related conditions. This variant is present in population databases (rs781848001, gnomAD 0.009%). This variant, c.960_971del, results in the deletion of 4 amino acid(s) of the DLAT protein (p.Thr322_Pro325del), but otherwise preserves the integrity of the reading frame.

NM_001931.5(DLAT):c.960_971del (p.Thr322_Pro325del)

Gene: DLAT (dihydrolipoamide S-acetyltransferase; plus strand). Cytogenetic location: 11q23.1.
Variant type: Deletion.
Coding change: c.960_971del on transcript NM_001931.5 (MANE Select); coding-DNA positions 960 to 971, 12 bases deleted (ACCTACCCCACC).
Protein change: p.Thr322_Pro325del.
Molecular consequence: inframe deletion. On other transcripts: intron variant (2).
Genome position (GRCh38, 1-based): chr11:112,037,445-112,037,456, ACCTACCCCACC deleted; deleting any 12 consecutive bases within chr11:112,037,440-112,037,456 gives the same sequence; the c. name uses the placement nearest the transcript's 3' end. VCF-style (leftmost placement, unchanged base first): chr11-112037439-GCCACCACCTACC-G. GRCh37 (hg19) VCF-style: chr11-111908163-GCCACCACCTACC-G.
Other names: c.960_971del (NM_001931.4); c.960_971del, p.Thr322_Pro325del (NM_001372031.1, NM_001372032.1, NM_001372033.1 and 1 more transcripts); c.927_938del, p.Thr311_Pro314del (NM_001372034.1); c.834_845del, p.Thr280_Pro283del (NM_001372036.1); c.792_803del, p.Thr266_Pro269del (NM_001372037.1); c.681_692del, p.Thr229_Pro232del (NM_001372038.1); c.579_590del, p.Thr195_Pro198del (NM_001372040.1); c.498_509del, p.Thr168_Pro171del (NM_001372042.1); and 2 more.
Identifiers: ClinVar variation 2145270 (VCV002145270.6), dbSNP rs781848001, ClinGen allele CA6276776.